The following is an entry in ClinVar:

NM_000492.4(CFTR):c.337A>G (p.Asn113Asp)

Gene: CFTR (CF transmembrane conductance regulator; plus strand). Cytogenetic location: 7q31.2.
Variant type: single nucleotide variant.
Coding change: c.337A>G on transcript NM_000492.4 (MANE Select); coding-DNA position 337, A replaced by G.
Protein change: p.Asn113Asp; replaces asparagine 113 with aspartic acid.
Molecular consequence: missense variant.
Genome position (GRCh38, 1-based): chr7:117,530,962, A>G. VCF-style: chr7-117530962-A-G. GRCh37 (hg19) VCF-style: chr7-117171016-A-G.
Other names: short protein forms N113D.
Identifiers: ClinVar variation 4001836 (VCV004001836.1).

ClinVar aggregate classification (germline): Uncertain significance (1 of 4 stars; one submission).

Conditions:
Cystic fibrosis (CF). Also called: MUCOVISCIDOSIS. Identifiers: Orphanet 586, MedGen C0010674, MONDO:0009061, OMIM 219700. Disease mechanism: loss of function.

Submission:

Ambry Genetics
Classification: Uncertain significance for Cystic fibrosis. Last evaluated: 2025-04-06. Review status: criteria provided, single submitter. Criteria: Ambry Variant Classification Scheme 2023. Collection method: clinical testing. Allele origin: germline.
Comment: The p.N113D variant (also known as c.337A>G), located in coding exon 4 of the CFTR gene, results from an A to G substitution at nucleotide position 337. The asparagine at codon 113 is replaced by aspartic acid, an amino acid with highly similar properties. This amino acid position is conserved. In addition, the in silico prediction for this alteration is inconclusive. Based on the available evidence, the clinical significance of this variant remains unclear.